The following is an entry in ClinVar:

NM_001999.4(FBN2):c.7081T>G (p.Tyr2361Asp)

Gene: FBN2 (fibrillin 2; minus strand). Cytogenetic location: 5q23.3.
Variant type: single nucleotide variant.
Coding change: c.7081T>G on transcript NM_001999.4 (MANE Select); coding-DNA position 7081, T replaced by G.
Protein change: p.Tyr2361Asp; replaces tyrosine 2361 with aspartic acid.
Molecular consequence: missense variant.
Genome position (GRCh38, 1-based): chr5:128,280,249, A>C on the plus strand (T>G on the coding strand, the complement: FBN2 is on the minus strand). VCF-style: chr5-128280249-A-C. GRCh37 (hg19) VCF-style: chr5-127615941-A-C.
Other names: short protein forms Y2361D.
Identifiers: ClinVar variation 3638532 (VCV003638532.2).

ClinVar aggregate classification (germline): Uncertain significance (1 of 4 stars; one submission).

Conditions:
Congenital contractural arachnodactyly (CCA). Also called: BEALS SYNDROME; Arthrogryposis, distal, type 9; Beals-Hecht syndrome. Identifiers: Orphanet 115, MedGen C0220668, MONDO:0007363, OMIM 121050.

Submission:

Labcorp Genetics (formerly Invitae), Labcorp
Classification: Uncertain significance for Congenital contractural arachnodactyly. Last evaluated: 2024-02-02. Review status: criteria provided, single submitter. Criteria: Invitae Variant Classification Sherloc (09022015). Collection method: clinical testing. Allele origin: germline.
Comment: This sequence change replaces tyrosine, which is neutral and polar, with aspartic acid, which is acidic and polar, at codon 2361 of the FBN2 protein (p.Tyr2361Asp). This variant is not present in population databases (gnomAD no frequency). This variant has not been reported in the literature in individuals affected with FBN2-related conditions. Advanced modeling of protein sequence and biophysical properties (such as structural, functional, and spatial information, amino acid conservation, physicochemical variation, residue mobility, and thermodynamic stability) performed at Invitae indicates that this missense variant is expected to disrupt FBN2 protein function with a positive predictive value of 80%. In summary, the available evidence is currently insufficient to determine the role of this variant in disease. Therefore, it has been classified as a Variant of Uncertain Significance.